The following is an entry in ClinVar:

NM_000059.4(BRCA2):c.10193A>G (p.Gln3398Arg)

Gene: BRCA2 (BRCA2 DNA repair associated; plus strand). Cytogenetic location: 13q13.1.
Variant type: single nucleotide variant.
Coding change: c.10193A>G on transcript NM_000059.4 (MANE Select); coding-DNA position 10193, A replaced by G.
Protein change: p.Gln3398Arg; replaces glutamine 3398 with arginine.
Molecular consequence: missense variant.
Genome position (GRCh38, 1-based): chr13:32,398,706, A>G. VCF-style: chr13-32398706-A-G. GRCh37 (hg19) VCF-style: chr13-32972843-A-G.
Other names: c.10193A>G (NM_000059.3); short protein forms Q3398R.
Identifiers: ClinVar variation 1377685 (VCV001377685.7), dbSNP rs374275215, ClinGen allele CA6941479.

ClinVar aggregate classification (germline): Conflicting classifications of pathogenicity. Review status: criteria provided, conflicting classifications (1 of 4 stars). 2 submissions from 2 submitters: Uncertain significance (1); Likely benign (1). Last evaluated 2025-09-02.

Conditions:
Hereditary cancer-predisposing syndrome. Also called: Neoplastic Syndromes, Hereditary; Hereditary Cancer Syndrome; Tumor predisposition; Hereditary neoplastic syndrome. Identifiers: Orphanet 140162, MedGen C0027672, MeSH D009386, MONDO:0015356.
Hereditary breast ovarian cancer syndrome. Also called: Hereditary breast and ovarian cancer; Hereditary breast and/or ovarian cancer syndrome; Hereditary breast and ovarian cancer syndrome; Hereditary breast and ovarian cancer syndrome (HBOC); Breast and ovarian cancer; BRCA1- and BRCA2-Associated Hereditary Breast and Ovarian Cancer. Identifiers: Orphanet 145, MedGen C0677776, MeSH D061325, MONDO:0003582. Disease mechanism: loss of function.

Allele frequency attached by ClinVar (database versions not stated): gnomAD exomes below 0.00001; ExAC 0.00001; ESP Exome Variant Server 0.00008.

Submissions (2):

Ambry Genetics
Classification: Likely benign for Hereditary cancer-predisposing syndrome. Last evaluated: 2025-09-02. Review status: criteria provided, single submitter. Criteria: Ambry Variant Classification Scheme 2023. Collection method: clinical testing. Allele origin: germline.

Labcorp Genetics (formerly Invitae), Labcorp
Classification: Uncertain significance for Hereditary breast ovarian cancer syndrome. Last evaluated: 2021-10-14. Review status: criteria provided, single submitter. Criteria: Invitae Variant Classification Sherloc (09022015). Collection method: clinical testing. Allele origin: germline.
Comment: This sequence change replaces glutamine with arginine at codon 3398 of the BRCA2 protein (p.Gln3398Arg). The glutamine residue is weakly conserved and there is a small physicochemical difference between glutamine and arginine. This variant is present in population databases (rs374275215, ExAC 0.002%). This variant has not been reported in the literature in individuals affected with BRCA2-related conditions. Advanced modeling of protein sequence and biophysical properties (such as structural, functional, and spatial information, amino acid conservation, physicochemical variation, residue mobility, and thermodynamic stability) performed at Invitae indicates that this missense variant is not expected to disrupt BRCA2 protein function. In summary, the available evidence is currently insufficient to determine the role of this variant in disease. Therefore, it has been classified as a Variant of Uncertain Significance.